The following is an entry in ClinVar:

NM_001851.6(COL9A1):c.2087T>C (p.Ile696Thr)

Gene: COL9A1 (collagen type IX alpha 1 chain; minus strand). Cytogenetic location: 6q13.
Variant type: single nucleotide variant.
Coding change: c.2087T>C on transcript NM_001851.6 (MANE Select); coding-DNA position 2087, T replaced by C.
Protein change: p.Ile696Thr; replaces isoleucine 696 with threonine.
Molecular consequence: missense variant. On other transcripts: non-coding transcript variant (1).
Genome position (GRCh38, 1-based): chr6:70,239,279, A>G on the plus strand (T>C on the coding strand, the complement: COL9A1 is on the minus strand). VCF-style: chr6-70239279-A-G. GRCh37 (hg19) VCF-style: chr6-70948982-A-G.
Other names: c.1388T>C, p.Ile463Thr (NM_001377289.1); c.1358T>C, p.Ile453Thr (NM_001377290.1, NM_078485.4); short protein forms I696T, I453T, I463T.
Identifiers: ClinVar variation 1034685 (VCV001034685.4), dbSNP rs1562295675, ClinGen allele CA364674119.
Genomic context (GRCh38, chr6:70,239,279, plus strand): 5'-AATTTTTTTATACCATTACTATTCACCATACTTACAGATCCCTTTGGGCCAGGTAATCCT[A>G]TATCTCCCTAAATCAATAAAAGAAATTTATGTTAGAACAATGTATTCACATTTGATAATT-3'
Protein context (NP_001842.3, residues 686-706): EAGERGELGD[Ile696Thr]GLPGPKGSAG

ClinVar aggregate classification (germline): Uncertain significance (1 of 4 stars; one submission).

Allele frequency attached by ClinVar (database versions not stated): gnomAD exomes below 0.00001.
gnomAD v4.1: 4 of 1,558,428 alleles (0.00026%); highest among the groups gnomAD compares: South Asian, 0.0011%; no homozygotes.

Submission:

Labcorp Genetics (formerly Invitae), Labcorp
Classification: Uncertain significance. Last evaluated: 2022-06-26. Review status: criteria provided, single submitter. Criteria: Invitae Variant Classification Sherloc (09022015). Collection method: clinical testing. Allele origin: germline.
Comment: This sequence change replaces isoleucine, which is neutral and non-polar, with threonine, which is neutral and polar, at codon 696 of the COL9A1 protein (p.Ile696Thr). This variant is not present in population databases (gnomAD no frequency). This variant has not been reported in the literature in individuals affected with COL9A1-related conditions. ClinVar contains an entry for this variant (Variation ID: 1034685). Advanced modeling of protein sequence and biophysical properties (such as structural, functional, and spatial information, amino acid conservation, physicochemical variation, residue mobility, and thermodynamic stability) performed at Invitae indicates that this missense variant is not expected to disrupt COL9A1 protein function. In summary, the available evidence is currently insufficient to determine the role of this variant in disease. Therefore, it has been classified as a Variant of Uncertain Significance.